The following is an entry in ClinVar:

ClinVar aggregate classification (germline): Uncertain significance. Review status: criteria provided, multiple submitters, no conflicts (2 of 4 stars). 2 submissions from 2 submitters: Uncertain significance (2). Last evaluated 2022-12-17.

Conditions:
Charcot-Marie-Tooth disease type 2. Also called: Charcot-Marie-Tooth type 2. Identifiers: Orphanet 64746, MedGen C0270914, MONDO:0018993.

Allele frequency attached by ClinVar (database versions not stated): gnomAD exomes below 0.00001; gnomAD 0.00001; TOPMed 0.00001.
gnomAD v4.1: 7 of 1,614,098 alleles (0.00043%); highest among the groups gnomAD compares: Non-Finnish European, 0.00051%; no homozygotes.

Submissions (2):

Labcorp Genetics (formerly Invitae), Labcorp
Classification: Uncertain significance for Charcot-Marie-Tooth disease type 2. Last evaluated: 2022-12-17. Review status: criteria provided, single submitter. Criteria: Invitae Variant Classification Sherloc (09022015). Collection method: clinical testing. Allele origin: germline.
Comment: This sequence change replaces leucine, which is neutral and non-polar, with isoleucine, which is neutral and non-polar, at codon 410 of the MFN2 protein (p.Leu410Ile). This variant is not present in population databases (gnomAD no frequency). This variant has not been reported in the literature in individuals affected with MFN2-related conditions. Advanced modeling of protein sequence and biophysical properties (such as structural, functional, and spatial information, amino acid conservation, physicochemical variation, residue mobility, and thermodynamic stability) has been performed at Invitae for this missense variant, however the output from this modeling did not meet the statistical confidence thresholds required to predict the impact of this variant on MFN2 protein function. In summary, the available evidence is currently insufficient to determine the role of this variant in disease. Therefore, it has been classified as a Variant of Uncertain Significance.

Blueprint Genetics
Classification: Uncertain significance. Last evaluated: 2022-08-01. Review status: criteria provided, single submitter. Criteria: ACMG Guidelines, 2015. Collection method: clinical testing. Allele origin: germline.

NM_014874.4(MFN2):c.1228C>A (p.Leu410Ile)

Gene: MFN2 (mitofusin 2; plus strand). Cytogenetic location: 1p36.22.
Variant type: single nucleotide variant.
Coding change: c.1228C>A on transcript NM_014874.4 (MANE Select); coding-DNA position 1228, C replaced by A.
Protein change: p.Leu410Ile; replaces leucine 410 with isoleucine.
Molecular consequence: missense variant.
Genome position (GRCh38, 1-based): chr1:12,004,059, C>A. VCF-style: chr1-12004059-C-A. GRCh37 (hg19) VCF-style: chr1-12064116-C-A.
Other names: c.1228C>A, p.Leu410Ile (NM_001127660.2); short protein forms L410I.
Identifiers: ClinVar variation 2095813 (VCV002095813.5), dbSNP rs1254519410, ClinGen allele CA338445123.